The following is an entry in ClinVar:

NM_012193.4(FZD4):c.1162A>T (p.Thr388Ser)

Genes: PRSS23 (serine protease 23; plus strand), FZD4 (frizzled class receptor 4; minus strand). Cytogenetic location: 11q14.2.
Variant type: single nucleotide variant.
Coding change: c.1162A>T on transcript NM_012193.4 (MANE Select); coding-DNA position 1162, A replaced by T.
Protein change: p.Thr388Ser; replaces threonine 388 with serine.
Molecular consequence: missense variant. On other transcripts: non-coding transcript variant (2).
Genome position (GRCh38, 1-based): chr11:86,951,594, T>A on the plus strand (A>T on the coding strand, the complement: FZD4 is on the minus strand). VCF-style: chr11-86951594-T-A. GRCh37 (hg19) VCF-style: chr11-86662636-T-A.
Other names: short protein forms T388S.
Identifiers: ClinVar variation 4761570 (VCV004761570.1).
Genomic context (GRCh38, chr11:86,951,594, plus strand): 5'-CAGCAATGAACAAAGTTCCAATGACCAAATAAGTAAAGAGGGGAGCCACCACGAACCCGG[T>A]GAGGGCATCGAGATTTTGGTTTCCAACATAGCACAAGCCAGTCAGTTCATCTGCATCCAC-3'
Protein context (NP_036325.2, residues 378-398): YVGNQNLDAL[Thr388Ser]GFVVAPLFTY

ClinVar aggregate classification (germline): Uncertain significance (1 of 4 stars; one submission).

gnomAD v4.1: 63 of 1,614,090 alleles (0.0039%); highest among the groups gnomAD compares: Non-Finnish European, 0.0053%; no homozygotes.

Submission:

Labcorp Genetics (formerly Invitae), Labcorp
Classification: Uncertain significance. Last evaluated: 2025-04-14. Review status: criteria provided, single submitter. Criteria: Invitae Variant Classification Sherloc (09022015). Collection method: clinical testing. Allele origin: germline.
Comment: This sequence change replaces threonine, which is neutral and polar, with serine, which is neutral and polar, at codon 388 of the FZD4 protein (p.Thr388Ser). This variant is present in population databases (rs770501338, gnomAD 0.004%). This variant has not been reported in the literature in individuals affected with FZD4-related conditions. Invitae Evidence Modeling of protein sequence and biophysical properties (such as structural, functional, and spatial information, amino acid conservation, physicochemical variation, residue mobility, and thermodynamic stability) indicates that this missense variant is not expected to disrupt FZD4 protein function with a negative predictive value of 80%. In summary, the available evidence is currently insufficient to determine the role of this variant in disease. Therefore, it has been classified as a Variant of Uncertain Significance.